The following is an entry in ClinVar:

ClinVar aggregate classification (germline): Uncertain significance (1 of 4 stars; one submission).

Conditions:
Epileptic encephalopathy. Identifiers: MedGen C0543888, HP:0200134.

Allele frequency attached by ClinVar (database versions not stated): gnomAD exomes 0.00001.
gnomAD v4.1: 10 of 1,612,760 alleles (0.00062%); highest among the groups gnomAD compares: Non-Finnish European, 0.00085%; no homozygotes.

Submission:

Labcorp Genetics (formerly Invitae), Labcorp
Classification: Uncertain significance for Epileptic encephalopathy. Last evaluated: 2024-10-07. Review status: criteria provided, single submitter. Criteria: Invitae Variant Classification Sherloc (09022015). Collection method: clinical testing. Allele origin: germline.
Comment: This sequence change replaces arginine, which is basic and polar, with cysteine, which is neutral and slightly polar, at codon 1917 of the FASN protein (p.Arg1917Cys). This variant is present in population databases (no rsID available, gnomAD 0.0009%). This variant has not been reported in the literature in individuals affected with FASN-related conditions. An algorithm developed to predict the effect of missense changes on protein structure and function (PolyPhen-2) suggests that this variant is likely to be disruptive. In summary, the available evidence is currently insufficient to determine the role of this variant in disease. Therefore, it has been classified as a Variant of Uncertain Significance.

NM_004104.5(FASN):c.5749C>T (p.Arg1917Cys)

Gene: FASN (fatty acid synthase; minus strand). Cytogenetic location: 17q25.3.
Variant type: single nucleotide variant.
Coding change: c.5749C>T on transcript NM_004104.5 (MANE Select); coding-DNA position 5749, C replaced by T.
Protein change: p.Arg1917Cys; replaces arginine 1917 with cysteine.
Molecular consequence: missense variant.
Genome position (GRCh38, 1-based): chr17:82,082,932, G>A on the plus strand (C>T on the coding strand, the complement: FASN is on the minus strand). VCF-style: chr17-82082932-G-A. GRCh37 (hg19) VCF-style: chr17-80040808-G-A.
Other names: short protein forms R1917C.
Identifiers: ClinVar variation 2886099 (VCV002886099.3), dbSNP rs1367771241, ClinGen allele CA401535299.